The following is an entry in ClinVar:

ClinVar aggregate classification (germline): Uncertain significance (1 of 4 stars; one submission).

Allele frequency attached by ClinVar (database versions not stated): TOPMed 0.00001.

Submission:

Labcorp Genetics (formerly Invitae), Labcorp
Classification: Uncertain significance. Last evaluated: 2024-12-16. Review status: criteria provided, single submitter. Criteria: Invitae Variant Classification Sherloc (09022015). Collection method: clinical testing. Allele origin: germline.
Comment: This sequence change replaces arginine, which is basic and polar, with glutamine, which is neutral and polar, at codon 1045 of the STAG2 protein (p.Arg1045Gln). This variant is not present in population databases (gnomAD no frequency). This variant has not been reported in the literature in individuals affected with STAG2-related conditions. ClinVar contains an entry for this variant (Variation ID: 1947343). Invitae Evidence Modeling of protein sequence and biophysical properties (such as structural, functional, and spatial information, amino acid conservation, physicochemical variation, residue mobility, and thermodynamic stability) indicates that this missense variant is not expected to disrupt STAG2 protein function with a negative predictive value of 80%. In summary, the available evidence is currently insufficient to determine the role of this variant in disease. Therefore, it has been classified as a Variant of Uncertain Significance.

NM_001042750.2(STAG2):c.3134G>A (p.Arg1045Gln)

Gene: STAG2 (STAG2 cohesin complex component; plus strand). Cytogenetic location: Xq25.
Variant type: single nucleotide variant.
Coding change: c.3134G>A on transcript NM_001042750.2 (MANE Select); coding-DNA position 3134, G replaced by A.
Protein change: p.Arg1045Gln; replaces arginine 1045 with glutamine.
Molecular consequence: missense variant.
Genome position (GRCh38, 1-based): chrX:124,086,627, G>A. VCF-style: chrX-124086627-G-A. GRCh37 (hg19) VCF-style: chrX-123220477-G-A.
Other names: c.3134G>A, p.Arg1045Gln (NM_001042749.2, NM_001042751.2, NM_001282418.2 and 13 more transcripts); short protein forms R1045Q.
Identifiers: ClinVar variation 1947343 (VCV001947343.5), dbSNP rs1372684971, ClinGen allele CA414280889.